The following is an entry in ClinVar:

ClinVar aggregate classification (germline): Likely benign (1 of 4 stars; one submission).

Submission:

CeGaT Center for Human Genetics Tuebingen
Classification: Likely benign. Last evaluated: 2025-09-01. Review status: criteria provided, single submitter. Criteria: CeGaT Center For Human Genetics Tuebingen Variant Classification Criteria Version 2. Collection method: clinical testing. Allele origin: germline. Affected: yes. Observed: 1 variant allele.
Comment: RAD51D: BP4, BP7

NM_002878.4(RAD51D):c.263+1520C>T

Genes: RAD51D (RAD51 paralog D; minus strand), RAD51L3-RFFL (RAD51L3-RFFL readthrough; minus strand). Cytogenetic location: 17q12.
Variant type: single nucleotide variant.
Coding change: c.263+1520C>T on transcript NM_002878.4 (MANE Select); 1520 bases into the intron after coding-DNA position 263, C replaced by T.
Molecular consequence: intron variant. On other transcripts: synonymous variant (1).
Genome position (GRCh38, 1-based): chr17:35,116,981, G>A on the plus strand (C>T on the coding strand, the complement: RAD51D is on the minus strand). VCF-style: chr17-35116981-G-A. GRCh37 (hg19) VCF-style: chr17-33444000-G-A.
Other names: c.201C>T, p.Pro67= (NM_001142571.2); c.144+2130C>T (NM_133629.3).
Identifiers: ClinVar variation 4281464 (VCV004281464.7).